The following is an entry in ClinVar:

NM_007294.4(BRCA1):c.5252G>A (p.Arg1751Gln)

Gene: BRCA1 (BRCA1 DNA repair associated; minus strand). Cytogenetic location: 17q21.31.
Variant type: single nucleotide variant.
Coding change: c.5252G>A on transcript NM_007294.4 (MANE Select); coding-DNA position 5252, G replaced by A.
Protein change: p.Arg1751Gln; replaces arginine 1751 with glutamine.
Molecular consequence: missense variant. On other transcripts: non-coding transcript variant (1).
Genome position (GRCh38, 1-based): chr17:43,057,077, C>T on the plus strand (G>A on the coding strand, the complement: BRCA1 is on the minus strand). VCF-style: chr17-43057077-C-T. GRCh37 (hg19) VCF-style: chr17-41209094-C-T.
Other names: p.R1751Q:CGA>CAA; 5371G>A; c.5039G>A, p.Arg1680Gln (NM_001407571.1, NM_001407894.1, NM_001407895.1 and 12 more transcripts); c.5318G>A, p.Arg1773Gln (NM_001407581.1, NM_001407582.1); c.5315G>A, p.Arg1772Gln (NM_001407583.1, NM_001407585.1, NM_001407587.1 and 1 more transcripts); c.5312G>A, p.Arg1771Gln (NM_001407590.1, NM_001407591.1); c.5252G>A, p.Arg1751Gln (NM_001407593.1, NM_001407594.1, NM_001407596.1 and 7 more transcripts); c.5249G>A, p.Arg1750Gln (NM_001407610.1, NM_001407621.1, NM_001407622.1 and 17 more transcripts); and 74 more; short protein forms R1751Q, R1704Q, R1772Q, R647Q, R1455Q, R1639Q, R1662Q, R1680Q.
Identifiers: ClinVar variation 55481 (VCV000055481.56), dbSNP rs80357442, ClinGen allele CA003390.

ClinVar aggregate classification (germline): Benign. Review status: reviewed by expert panel (3 of 4 stars). 20 submissions from 20 submitters: Benign (1). 19 of the submissions do not count toward it. Last evaluated 2015-08-10.

Conditions:
Hereditary cancer-predisposing syndrome. Also called: Hereditary Cancer Syndrome; Tumor predisposition; Neoplastic Syndromes, Hereditary; Hereditary neoplastic syndrome. Identifiers: Orphanet 140162, MedGen C0027672, MeSH D009386, MONDO:0015356.
Breast and/or ovarian cancer. Identifiers: MedGen CN221562.
Hereditary breast ovarian cancer syndrome. Also called: Breast and ovarian cancer; BRCA1- and BRCA2-Associated Hereditary Breast and Ovarian Cancer; Hereditary breast and ovarian cancer; Hereditary breast and ovarian cancer syndrome (HBOC); Hereditary breast and ovarian cancer syndrome; Hereditary breast and/or ovarian cancer syndrome. Identifiers: Orphanet 145, MedGen C0677776, MeSH D061325, MONDO:0003582. Disease mechanism: loss of function.
Breast-ovarian cancer, familial, susceptibility to, 1 (BROVCA1). Also called: BRCA1 Hereditary Breast and Ovarian Cancer; OVARIAN CANCER, SUSCEPTIBILITY TO. Identifiers: Orphanet 145, MedGen C2676676, MONDO:0011450, OMIM 604370. Disease mechanism: loss of function.
Malignant tumor of breast. Also called: Malignant breast neoplasm; Cancer breast. Identifiers: MedGen C0006142, MONDO:0007254. Disease mechanism: loss of function.

Allele frequency attached by ClinVar (database versions not stated): ExAC 0.00002; gnomAD exomes 0.00004 and 0.00005; TOPMed 0.00005; ESP Exome Variant Server 0.00008; gnomAD 0.00003 and 0.00004.
gnomAD v4.1: 78 of 1,613,922 alleles (0.0048%); highest among the groups gnomAD compares: Non-Finnish European, 0.0061%; no homozygotes.

Submissions 1 to 15 of 21:

Evidence-based Network for the Interpretation of Germline Mutant Alleles (ENIGMA)
Classification: Benign for Breast-ovarian cancer, familial 1. Last evaluated: 2015-08-10. Review status: reviewed by expert panel. Criteria: ENIGMA BRCA1/2 Classification Criteria (2015). Collection method: curation. Allele origin: germline.
Comment: IARC class based on posterior probability from multifactorial likelihood analysis, thresholds for class as per Plon et al. 2008 (PMID: 18951446). Class 1 based on posterior probability = 0.000206

CeGaT Center for Human Genetics Tuebingen
Classification: Likely benign. Last evaluated: 2026-06-01. Review status: criteria provided, single submitter. Criteria: CeGaT Center For Human Genetics Tuebingen Variant Classification Criteria Version 2. Collection method: clinical testing. Allele origin: germline. Affected: yes. Observed: 2 variant alleles. Not counted in ClinVar's aggregate classification.
Comment: BRCA1: BS3:Moderate

Dasa
Classification: Benign for Breast-ovarian cancer, familial, susceptibility to, 1. Last evaluated: 2026-03-27. Review status: criteria provided, single submitter. Criteria: DASA Assertion Criteria. Collection method: clinical testing. Allele origin: germline. Not counted in ClinVar's aggregate classification.
Comment: NM_007294.4(BRCA1):c.5252G>A (p.Arg1751Gln) is a missense variant that results in the substitution of arginine with glutamine. Functional evidence is consistent with no deleterious impact on the gene or gene product. Therefore, based on the currently available evidence, this variant is classified as benign.

Labcorp Genetics (formerly Invitae), Labcorp
Classification: Likely benign for Hereditary breast ovarian cancer syndrome. Last evaluated: 2026-01-25. Review status: criteria provided, single submitter. Criteria: Invitae Variant Classification Sherloc (09022015). Collection method: clinical testing. Allele origin: germline. Not counted in ClinVar's aggregate classification.

Quest Diagnostics Nichols Institute San Juan Capistrano
Classification: Likely benign. Last evaluated: 2025-07-29. Review status: criteria provided, single submitter. Criteria: Quest Diagnostics criteria. Collection method: clinical testing. Allele origin: unknown. Not counted in ClinVar's aggregate classification.

Center for Genomic Medicine, Rigshospitalet, Copenhagen University Hospital
Classification: Benign. Last evaluated: 2025-03-04. Review status: criteria provided, single submitter. Criteria: ACMG Guidelines, 2015. Collection method: clinical testing. Allele origin: germline. Not counted in ClinVar's aggregate classification.

CHEO Genetics Diagnostic Laboratory, Children's Hospital of Eastern Ontario
Classification: Benign for Breast and/or ovarian cancer. Last evaluated: 2023-05-26. Review status: criteria provided, single submitter. Criteria: ACMG Guidelines, 2015. Collection method: clinical testing. Allele origin: germline. Not counted in ClinVar's aggregate classification.

Blueprint Genetics
Classification: Likely benign. Last evaluated: 2022-08-04. Review status: criteria provided, single submitter. Criteria: ACMG Guidelines, 2015. Collection method: clinical testing. Allele origin: germline. Not counted in ClinVar's aggregate classification.

Sema4
Classification: Likely benign for Hereditary cancer-predisposing syndrome. Last evaluated: 2021-11-16. Review status: criteria provided, single submitter. Criteria: Sema4 Curation Guidelines. Collection method: curation. Allele origin: germline. Not counted in ClinVar's aggregate classification.

Women's Health and Genetics/Laboratory Corporation of America, LabCorp
Classification: Benign. Last evaluated: 2020-11-23. Review status: criteria provided, single submitter. Criteria: LabCorp Variant Classification Summary - May 2015. Collection method: clinical testing. Allele origin: germline. Not counted in ClinVar's aggregate classification.
Comment: Variant summary: BRCA1 c.5252G>A (p.Arg1751Gln) results in a conservative amino acid change located in the BRCT domain of the encoded protein sequence. Three of five in-silico tools predict a damaging effect of the variant on protein function. 5 splice prediction tools predict that this variant does not affect normal splicing, which was confirmed by an allelic-imbalance assay (Caux-Moncoutier_2009). The variant allele was found at a frequency of 3.6e-05 in 251492 control chromosomes (gnomAD). This frequency is not significantly higher than expected for a pathogenic variant in BRCA1 causing Hereditary Breast and Ovarian Cancer (4.1e-05 vs 1.00e-03), allowing no conclusion about variant significance. c.5252G>A has been reported in the literature in individuals affected with Hereditary Breast and Ovarian Cancer, without strong evidence for causality (Stoppa-Lyonnet_1997, Gad_2002, deJuan_2009). In one large association study, the variant was found to be not associated with risk of breast cancer in the Caucasian population (Shimelis_2017). Multifactorial probability models report a neutral outcome (Easton_2007, Lindor_2012). At-least one co-occurrence with another pathogenic variant has been reported in the UMD database (BRCA2 c.8346G>A, p.Trp2788X*), providing supporting evidence for a benign role. In addition, multiple functional assays suggest the variant of interest to have normal transcriptional activity, growth and localization activities as well as homology directed repair (example, Lee_2010, Rowling_2010, Williams_2003, and Thouvenot_2016, Lodovichi_2016, Woods_2016, Findlay_2018). Eight clinical diagnostic laboratories and one expert panel (ENIGMA) have submitted clinical-significance assessments for this variant to ClinVar after 2014 without evidence for independent evaluation. All submitters classified the variant as benign/likely benign. Some submitters cite overlapping evidence utilized in the context of this evaluation. Based on the evidence outlined above, the variant was classified as benign.

Mendelics
Classification: Benign for Breast-ovarian cancer, familial, susceptibility to, 1. Last evaluated: 2019-05-28. Review status: criteria provided, single submitter. Criteria: Mendelics Assertion Criteria 2017. Collection method: clinical testing. Allele origin: unknown. Not counted in ClinVar's aggregate classification.

GeneDx
Classification: Likely benign. Last evaluated: 2017-08-15. Review status: criteria provided, single submitter. Criteria: GeneDx Variant Classification (06012015). Collection method: clinical testing. Allele origin: germline. Affected: yes. Not counted in ClinVar's aggregate classification.
Comment: This variant is considered likely benign or benign based on one or more of the following criteria: it is a conservative change, it occurs at a poorly conserved position in the protein, it is predicted to be benign by multiple in silico algorithms, and/or has population frequency not consistent with disease.

Illumina Laboratory Services, Illumina
Classification: Likely benign for Breast-ovarian cancer, familial, susceptibility to, 1. Last evaluated: 2017-04-28. Review status: criteria provided, single submitter. Criteria: ICSL Variant Classification Criteria 13 December 2019. Collection method: clinical testing. Allele origin: germline. Not counted in ClinVar's aggregate classification.
Comment: This variant was observed as part of a predisposition screen in an ostensibly healthy population. A literature search was performed for the gene, cDNA change, and amino acid change (where applicable). Publications were found based on this search. The evidence from the literature, in combination with allele frequency data from public databases where available, was sufficient to determine this variant is unlikely to cause disease. Therefore, this variant is classified as likely benign.

Color Diagnostics, LLC DBA Color Health
Classification: Likely benign for Hereditary cancer-predisposing syndrome. Last evaluated: 2016-01-08. Review status: criteria provided, single submitter. Criteria: ACMG Guidelines, 2015. Collection method: clinical testing. Allele origin: germline. Not counted in ClinVar's aggregate classification.

Ambry Genetics
Classification: Benign for Hereditary cancer-predisposing syndrome. Last evaluated: 2014-11-18. Review status: criteria provided, single submitter. Criteria: Ambry Variant Classification Scheme 2023. Collection method: clinical testing. Allele origin: germline. Not counted in ClinVar's aggregate classification.